The following is an entry in ClinVar:

ClinVar aggregate classification (germline): Conflicting classifications of pathogenicity. Review status: criteria provided, conflicting classifications (1 of 4 stars). 6 submissions from 6 submitters: Uncertain significance (3); Likely benign (1). 2 of the submissions do not count toward it. Last evaluated 2024-11-25.

Conditions:
RIDDLE syndrome. Identifiers: Orphanet 420741, MedGen C2677792, MONDO:0012764, OMIM 611943.

Allele frequency attached by ClinVar (database versions not stated): 1000 Genomes Project 30x 0.00016; 1000 Genomes Project 0.00020; ESP Exome Variant Server 0.00069; gnomAD 0.00077 and 0.00080; TOPMed 0.00078; gnomAD exomes 0.00085 and 0.00137; ExAC 0.00098.

Submissions (6):

Blueprint Genetics
Classification: Likely benign. Last evaluated: 2024-11-25. Review status: criteria provided, single submitter. Criteria: ACMG Guidelines, 2015. Collection method: clinical testing. Allele origin: germline.

Labcorp Genetics (formerly Invitae), Labcorp
Classification: Uncertain significance. Last evaluated: 2022-08-19. Review status: criteria provided, single submitter. Criteria: Invitae Variant Classification Sherloc (09022015). Collection method: clinical testing. Allele origin: germline.
Comment: This sequence change replaces glutamic acid, which is acidic and polar, with lysine, which is basic and polar, at codon 177 of the RNF168 protein (p.Glu177Lys). This variant is present in population databases (rs112513009, gnomAD 0.2%), and has an allele count higher than expected for a pathogenic variant. This variant has not been reported in the literature in individuals affected with RNF168-related conditions. ClinVar contains an entry for this variant (Variation ID: 993672). Algorithms developed to predict the effect of missense changes on protein structure and function (SIFT, PolyPhen-2, Align-GVGD) all suggest that this variant is likely to be tolerated. In summary, the available evidence is currently insufficient to determine the role of this variant in disease. Therefore, it has been classified as a Variant of Uncertain Significance.

ARUP Laboratories, Molecular Genetics and Genomics, ARUP Laboratories
Classification: Uncertain significance for RIDDLE syndrome. Last evaluated: 2019-07-31. Review status: criteria provided, single submitter. Criteria: ARUP Molecular Germline Variant Investigation Process. Collection method: clinical testing. Allele origin: germline.
Comment: The RNF168 c.529G>A; p.Glu177Lys variant (rs112513009), to our knowledge, is not reported in the medical literature or gene specific databases. This variant is found in the general population with an overall allele frequency of 0.08 % (239 / 282,886) alleles) in the Genome Aggregation Database. The glutamic acid at codon 177 is highly conserved, and computational analyses (SIFT, PolyPhen-2) predict that this variant is tolerated. Due to limited information, the clinical significance of the p.Glu177Lys variant is uncertain at this time.

Baylor Genetics
Classification: Uncertain significance for RIDDLE syndrome. Last evaluated: 2018-01-25. Review status: criteria provided, single submitter. Criteria: ACMG Guidelines, 2015. Collection method: clinical testing. Allele origin: paternal. Affected: yes.
Comment: This variant was determined to be of uncertain significance according to ACMG Guidelines, 2015 [PMID:25741868].

Clinical Genetics DNA and cytogenetics Diagnostics Lab, Erasmus MC, Erasmus Medical Center
Classification: Likely benign. Review status: no assertion criteria provided. Collection method: clinical testing. Allele origin: germline. Affected: yes. Study: VKGL Data-share Consensus. Not counted in ClinVar's aggregate classification.

Diagnostic Laboratory, Department of Genetics, University Medical Center Groningen
Classification: Likely benign. Review status: no assertion criteria provided. Collection method: clinical testing. Allele origin: germline. Affected: yes. Study: VKGL Data-share Consensus. Not counted in ClinVar's aggregate classification.

NM_152617.4(RNF168):c.529G>A (p.Glu177Lys)

Gene: RNF168 (ring finger protein 168; minus strand). Cytogenetic location: 3q29.
Variant type: single nucleotide variant.
Coding change: c.529G>A on transcript NM_152617.4 (MANE Select); coding-DNA position 529, G replaced by A.
Protein change: p.Glu177Lys; replaces glutamic acid 177 with lysine.
Molecular consequence: missense variant.
Genome position (GRCh38, 1-based): chr3:196,487,428, C>T on the plus strand (G>A on the coding strand, the complement: RNF168 is on the minus strand). VCF-style: chr3-196487428-C-T. GRCh37 (hg19) VCF-style: chr3-196214299-C-T.
Other names: short protein forms E177K.
Identifiers: ClinVar variation 993672 (VCV000993672.16), dbSNP rs112513009, ClinGen allele CA2780912.